The following is an entry in ClinVar:

NM_003970.4(MYOM2):c.3043+6T>C

Gene: MYOM2 (myomesin 2; plus strand). Cytogenetic location: 8p23.3.
Variant type: single nucleotide variant.
Coding change: c.3043+6T>C on transcript NM_003970.4 (MANE Select); 6 bases into the intron after coding-DNA position 3043, T replaced by C.
Molecular consequence: intron variant.
Genome position (GRCh38, 1-based): chr8:2,108,836, T>C. VCF-style: chr8-2108836-T-C. GRCh37 (hg19) VCF-style: chr8-2056627-T-C.
Identifiers: ClinVar variation 3049766 (VCV003049766.2), dbSNP rs200985590, ClinGen allele CA170459834.

ClinVar aggregate classification (germline): Likely benign (0 of 4 stars; one submission).

Conditions:
MYOM2-related disorder. Also called: MYOM2-related condition.

Allele frequency attached by ClinVar (database versions not stated): gnomAD 0.00028; TOPMed 0.00028; ExAC 0.00049; 1000 Genomes Project 0.00280; 1000 Genomes Project 30x 0.00281.
gnomAD v4.1: 335 of 1,613,876 alleles (0.021%); highest among the groups gnomAD compares: East Asian, 0.34%; no homozygotes.

Submission:

PreventionGenetics, part of Exact Sciences
Classification: Likely benign for MYOM2-related condition. Last evaluated: 2019-07-12. Review status: no assertion criteria provided. Collection method: clinical testing. Allele origin: germline.
Comment: This variant is classified as likely benign based on ACMG/AMP sequence variant interpretation guidelines (Richards et al. 2015 PMID: 25741868, with internal and published modifications).